The following is an entry in ClinVar:

ClinVar aggregate classification (germline): Uncertain significance (1 of 4 stars; one submission).

Submission:

Labcorp Genetics (formerly Invitae), Labcorp
Classification: Uncertain significance. Last evaluated: 2022-11-15. Review status: criteria provided, single submitter. Criteria: Invitae Variant Classification Sherloc (09022015). Collection method: clinical testing. Allele origin: germline.
Comment: In summary, the available evidence is currently insufficient to determine the role of this variant in disease. Therefore, it has been classified as a Variant of Uncertain Significance. Advanced modeling of protein sequence and biophysical properties (such as structural, functional, and spatial information, amino acid conservation, physicochemical variation, residue mobility, and thermodynamic stability) performed at Invitae indicates that this missense variant is not expected to disrupt POLE protein function. This variant has not been reported in the literature in individuals affected with POLE-related conditions. This variant is not present in population databases (gnomAD no frequency). This sequence change replaces phenylalanine, which is neutral and non-polar, with leucine, which is neutral and non-polar, at codon 524 of the POLE protein (p.Phe524Leu).

NM_006231.4(POLE):c.1572C>G (p.Phe524Leu)

Gene: POLE (DNA polymerase epsilon, catalytic subunit; minus strand). Cytogenetic location: 12q24.33.
Variant type: single nucleotide variant.
Coding change: c.1572C>G on transcript NM_006231.4 (MANE Select); coding-DNA position 1572, C replaced by G.
Protein change: p.Phe524Leu; replaces phenylalanine 524 with leucine.
Molecular consequence: missense variant.
Genome position (GRCh38, 1-based): chr12:132,672,741, G>C on the plus strand (C>G on the coding strand, the complement: POLE is on the minus strand). VCF-style: chr12-132672741-G-C. GRCh37 (hg19) VCF-style: chr12-133249327-G-C.
Other names: short protein forms F524L.
Identifiers: ClinVar variation 2814458 (VCV002814458.3), dbSNP rs2135993646, ClinGen allele CA387357000.